The following is an entry in ClinVar:

NM_001195553.2(DCX):c.586C>A (p.Arg196Ser)

Gene: DCX (doublecortin; minus strand). Cytogenetic location: Xq23.
Variant type: single nucleotide variant.
Coding change: c.586C>A on transcript NM_001195553.2 (MANE Select); coding-DNA position 586, C replaced by A.
Protein change: p.Arg196Ser; replaces arginine 196 with serine.
Molecular consequence: missense variant.
Genome position (GRCh38, 1-based): chrX:111,401,109, G>T on the plus strand (C>A on the coding strand, the complement: DCX is on the minus strand). VCF-style: chrX-111401109-G-T. GRCh37 (hg19) VCF-style: chrX-110644337-G-T.
Other names: c.829C>A, p.Arg277Ser (NM_000555.3); c.586C>A, p.Arg196Ser (NM_001369370.1, NM_001369371.1, NM_001369372.1 and 5 more transcripts); short protein forms R196S, R277S.
Identifiers: ClinVar variation 158483 (VCV000158483.9), dbSNP rs587783568, ClinGen allele CA172011.

ClinVar aggregate classification (germline): Conflicting classifications of pathogenicity. Review status: criteria provided, conflicting classifications (1 of 4 stars). 2 submissions from 2 submitters: Pathogenic (1); Uncertain significance (1). Last evaluated 2023-04-18.

Conditions:
Ectopic tissue. Also called: Heterotopia. Identifiers: MedGen C0008519.

Submissions (2):

Labcorp Genetics (formerly Invitae), Labcorp
Classification: Uncertain significance. Last evaluated: 2023-04-18. Review status: criteria provided, single submitter. Criteria: Invitae Variant Classification Sherloc (09022015). Collection method: clinical testing. Allele origin: germline.
Comment: In summary, the available evidence is currently insufficient to determine the role of this variant in disease. Therefore, it has been classified as a Variant of Uncertain Significance. This variant disrupts the p.Arg196 amino acid residue in DCX. Other variant(s) that disrupt this residue have been determined to be pathogenic (PMID: 11468322, 18685874). This suggests that this residue is clinically significant, and that variants that disrupt this residue are likely to be disease-causing. Advanced modeling of protein sequence and biophysical properties (such as structural, functional, and spatial information, amino acid conservation, physicochemical variation, residue mobility, and thermodynamic stability) performed at Invitae indicates that this missense variant is expected to disrupt DCX protein function. ClinVar contains an entry for this variant (Variation ID: 158483). This missense change has been observed in individual(s) with lissencephaly (PMID: 12027577). This variant is not present in population databases (gnomAD no frequency). This sequence change replaces arginine, which is basic and polar, with serine, which is neutral and polar, at codon 196 of the DCX protein (p.Arg196Ser).

Genetic Services Laboratory, University of Chicago
Classification: Pathogenic for Abnormality of neuronal migration. Last evaluated: 2013-02-08. Review status: criteria provided, single submitter. Criteria: ACMG Guidelines, 2007. Collection method: clinical testing. Allele origin: germline. Inheritance: Autosomal dominant inheritance. Affected: yes.

Literature cited by the submitters: PubMed 11468322 (cited by Labcorp Genetics (formerly Invitae), Labcorp); PubMed 18685874 (cited by Labcorp Genetics (formerly Invitae), Labcorp); PubMed 12027577 (cited by Labcorp Genetics (formerly Invitae), Labcorp).